The following is an entry in ClinVar:

NM_207122.2(EXT2):c.502A>G (p.Lys168Glu)

Gene: EXT2 (exostosin glycosyltransferase 2; plus strand). Cytogenetic location: 11p11.2.
Variant type: single nucleotide variant.
Coding change: c.502A>G on transcript NM_207122.2 (MANE Select); coding-DNA position 502, A replaced by G.
Protein change: p.Lys168Glu; replaces lysine 168 with glutamic acid.
Molecular consequence: missense variant.
Genome position (GRCh38, 1-based): chr11:44,108,214, A>G. VCF-style: chr11-44108214-A-G. GRCh37 (hg19) VCF-style: chr11-44129764-A-G.
Other names: c.601A>G, p.Lys201Glu (NM_000401.3); c.502A>G, p.Lys168Glu (NM_001178083.3, NM_001389628.1, NM_001389630.1); short protein forms K201E, K168E.
Identifiers: ClinVar variation 1501028 (VCV001501028.6), dbSNP rs762533540, ClinGen allele CA5954900.
Genomic context (GRCh38, chr11:44,108,214, plus strand): 5'-AACCGGGCCTGTCTGTTTGTTCCCTCCATCGATGTGCTTAACCAGAACACACTGCGCATC[A>G]AGGAGACAGCACAAGCGATGGCCCAGCTCTCTAGGTATCTCACACTCATACAGCCCAGCC-3'
Protein context (NP_997005.1, residues 158-178): DVLNQNTLRI[Lys168Glu]ETAQAMAQLS

ClinVar aggregate classification (germline): Uncertain significance (1 of 4 stars; one submission).

Conditions:
Exostoses, multiple, type 2 (EXT2). Also called: Hereditary Multiple Osteochondromatosis, Type II; EXOSTOSES, MULTIPLE, TYPE II. Identifiers: Orphanet 321, MedGen C1851413, MONDO:0007586, OMIM 133701.

Allele frequency attached by ClinVar (database versions not stated): TOPMed below 0.00001; ExAC 0.00001; gnomAD exomes 0.00001.
gnomAD v4.1: 3 of 1,613,566 alleles (0.00019%); highest among the groups gnomAD compares: East Asian, 0.0022%; no homozygotes.

Submission:

Labcorp Genetics (formerly Invitae), Labcorp
Classification: Uncertain significance for Exostoses, multiple, type 2. Last evaluated: 2024-02-20. Review status: criteria provided, single submitter. Criteria: Invitae Variant Classification Sherloc (09022015). Collection method: clinical testing. Allele origin: germline.
Comment: This sequence change replaces lysine, which is basic and polar, with glutamic acid, which is acidic and polar, at codon 168 of the EXT2 protein (p.Lys168Glu). This variant is present in population databases (rs762533540, gnomAD 0.006%). This variant has not been reported in the literature in individuals affected with EXT2-related conditions. ClinVar contains an entry for this variant (Variation ID: 1501028). Advanced modeling of protein sequence and biophysical properties (such as structural, functional, and spatial information, amino acid conservation, physicochemical variation, residue mobility, and thermodynamic stability) performed at Invitae indicates that this missense variant is not expected to disrupt EXT2 protein function with a negative predictive value of 80%. In summary, the available evidence is currently insufficient to determine the role of this variant in disease. Therefore, it has been classified as a Variant of Uncertain Significance.